The following is an entry in ClinVar:

ClinVar aggregate classification (germline): Uncertain significance (1 of 4 stars; one submission).

Submission:

Labcorp Genetics (formerly Invitae), Labcorp
Classification: Uncertain significance. Last evaluated: 2022-05-17. Review status: criteria provided, single submitter. Criteria: Invitae Variant Classification Sherloc (09022015). Collection method: clinical testing. Allele origin: germline.
Comment: This sequence change replaces lysine, which is basic and polar, with arginine, which is basic and polar, at codon 58 of the NDP protein (p.Lys58Arg). This variant is not present in population databases (gnomAD no frequency). This missense change has been observed in individual(s) with NDP-related conditions (PMID: 30452590). Algorithms developed to predict the effect of missense changes on protein structure and function (SIFT, PolyPhen-2, Align-GVGD) all suggest that this variant is likely to be disruptive. Algorithms developed to predict the effect of sequence changes on RNA splicing suggest that this variant may disrupt the consensus splice site. In summary, the available evidence is currently insufficient to determine the role of this variant in disease. Therefore, it has been classified as a Variant of Uncertain Significance.

Literature cited by the submitters: PubMed 30452590.

NM_000266.4(NDP):c.173A>G (p.Lys58Arg)

Genes: NDP (norrin cystine knot growth factor NDP; minus strand), NDP-AS1 (NDP antisense RNA 1; plus strand). Cytogenetic location: Xp11.3.
Variant type: single nucleotide variant.
Coding change: c.173A>G on transcript NM_000266.4 (MANE Select); coding-DNA position 173, A replaced by G.
Protein change: p.Lys58Arg; replaces lysine 58 with arginine.
Molecular consequence: missense variant.
Genome position (GRCh38, 1-based): chrX:43,958,473, T>C on the plus strand (A>G on the coding strand, the complement: NDP is on the minus strand). VCF-style: chrX-43958473-T-C. GRCh37 (hg19) VCF-style: chrX-43817719-T-C.
Other names: short protein forms K58R.
Identifiers: ClinVar variation 2169642 (VCV002169642.4), dbSNP rs2519320427, ClinGen allele CA413008941.
Genomic context (GRCh38, chrX:43,958,473, plus strand): 5'-ATATGGCTTCTTGCCTGTTTCTGAGGGAAATGCTCTCCTCACAGAGACCTTGGTCTTACC[T>C]TTGAGCTACACTTGTACAATGGGTGACTGATAGAATCCACATAGTGGTGCCTCATGCAGC-3'
Protein context (NP_000257.1, residues 48-68): ISHPLYKCSS[Lys58Arg]MVLLARCEGH